The following is an entry in ClinVar:

NM_000218.3(KCNQ1):c.1162G>A (p.Asp388Asn)

Gene: KCNQ1 (potassium voltage-gated channel subfamily Q member 1; plus strand). Cytogenetic location: 11p15.5.
Variant type: single nucleotide variant.
Coding change: c.1162G>A on transcript NM_000218.3 (MANE Select); coding-DNA position 1162, G replaced by A.
Protein change: p.Asp388Asn; replaces aspartic acid 388 with asparagine.
Molecular consequence: missense variant.
Genome position (GRCh38, 1-based): chr11:2,587,603, G>A. VCF-style: chr11-2587603-G-A. GRCh37 (hg19) VCF-style: chr11-2608833-G-A.
Other names: c.1066G>A, p.Asp356Asn (NM_001406836.1); c.892G>A, p.Asp298Asn (NM_001406837.1); c.622G>A, p.Asp208Asn (NM_001406838.1); c.781G>A, p.Asp261Asn (NM_181798.2); short protein forms D388N, D261N, D298N, D356N, D208N.
Identifiers: ClinVar variation 928161 (VCV000928161.18), dbSNP rs537637760, ClinGen allele CA027506.

ClinVar aggregate classification (germline): Uncertain significance. Review status: criteria provided, multiple submitters, no conflicts (2 of 4 stars). 6 submissions from 6 submitters: Uncertain significance (6). Last evaluated 2025-12-08.

Conditions:
Long QT syndrome (LQTS). Identifiers: MedGen C0023976, MeSH D008133, MONDO:0002442. Disease mechanism: loss of function. Inheritance: Various modes of inheritance.
Cardiovascular phenotype. Identifiers: MedGen CN230736.
Cardiac arrhythmia. Also called: Arrhythmia; Cardiac rhythm disease. Identifiers: MedGen C0003811, MONDO:0007263, HP:0011675.

Allele frequency attached by ClinVar (database versions not stated): gnomAD below 0.00001.
gnomAD v4.1: 12 of 1,613,770 alleles (0.00074%); highest among the groups gnomAD compares: South Asian, 0.0022%; no homozygotes.

Submissions (6):

Labcorp Genetics (formerly Invitae), Labcorp
Classification: Uncertain significance for Long QT syndrome. Last evaluated: 2025-12-08. Review status: criteria provided, single submitter. Criteria: Invitae Variant Classification Sherloc (09022015). Collection method: clinical testing. Allele origin: germline.
Comment: This sequence change replaces aspartic acid, which is acidic and polar, with asparagine, which is neutral and polar, at codon 388 of the KCNQ1 protein (p.Asp388Asn). This variant is present in population databases (rs537637760, gnomAD 0.002%). This variant has not been reported in the literature in individuals affected with KCNQ1-related conditions. ClinVar contains an entry for this variant (Variation ID: 928161). Invitae Evidence Modeling of protein sequence and biophysical properties (such as structural, functional, and spatial information, amino acid conservation, physicochemical variation, residue mobility, and thermodynamic stability) indicates that this missense variant is not expected to disrupt KCNQ1 protein function with a negative predictive value of 95%. In summary, the available evidence is currently insufficient to determine the role of this variant in disease. Therefore, it has been classified as a Variant of Uncertain Significance.

GeneDx
Classification: Uncertain significance. Last evaluated: 2025-05-27. Review status: criteria provided, single submitter. Criteria: GeneDx Variant Classification Process June 2021. Collection method: clinical testing. Allele origin: germline.
Comment: Has not been previously published as pathogenic or benign in association with a KCNQ1-related disorder to our knowledge; Not observed at significant frequency in large population cohorts (gnomAD); In silico analysis suggests that this missense variant does not alter protein structure/function; This variant is associated with the following publications: (PMID: 34930020)

All of Us Research Program, National Institutes of Health
Classification: Uncertain significance for Long QT syndrome. Last evaluated: 2024-08-23. Review status: criteria provided, single submitter. Criteria: ACMG Guidelines, 2015. Collection method: clinical testing. Allele origin: germline. Inheritance: Autosomal dominant inheritance. Observed: 8 variant alleles, 8 heterozygotes.
Comment: This missense variant replaces aspartic acid with asparagine at codon 388 of the KCNQ1 protein. Computational prediction is inconclusive regarding the impact of this variant on protein structure and function (internally defined REVEL score threshold 0.5 < inconclusive < 0.7, PMID: 27666373). To our knowledge, functional studies have not been reported for this variant. This variant has not been reported in individuals affected with cardiovascular disorders in the literature. This variant has been identified in 2/251322 chromosomes in the general population by the Genome Aggregation Database (gnomAD). The available evidence is insufficient to determine the role of this variant in disease conclusively. Therefore, this variant is classified as a Variant of Uncertain Significance.

This study involves interpretation of variants in research participants for the purpose of population health screening. Participant phenotype was not available at the time of variant classification. Additional details can be found in publication PMID: 35346344, PMCID: PMC8962531

Color Diagnostics, LLC DBA Color Health
Classification: Uncertain significance for Cardiac arrhythmia. Last evaluated: 2024-08-07. Review status: criteria provided, single submitter. Criteria: ACMG Guidelines, 2015. Collection method: clinical testing. Allele origin: germline.
Comment: This missense variant replaces aspartic acid with asparagine at codon 388 of the KCNQ1 protein. Computational prediction is inconclusive regarding the impact of this variant on protein structure and function. To our knowledge, functional studies have not been reported for this variant. This variant has not been reported in individuals affected with KCNQ1-related disorders in the literature. This variant has been identified in 2/251322 chromosomes in the general population by the Genome Aggregation Database (gnomAD). The available evidence is insufficient to determine the role of this variant in disease conclusively. Therefore, this variant is classified as a Variant of Uncertain Significance.

Ambry Genetics
Classification: Uncertain significance for Cardiovascular phenotype. Last evaluated: 2022-05-02. Review status: criteria provided, single submitter. Criteria: Ambry Variant Classification Scheme 2023. Collection method: clinical testing. Allele origin: germline.
Comment: The p.D388N variant (also known as c.1162G>A), located in coding exon 9 of the KCNQ1 gene, results from a G to A substitution at nucleotide position 1162. The aspartic acid at codon 388 is replaced by asparagine, an amino acid with highly similar properties. This amino acid position is not well conserved in available vertebrate species. In addition, the in silico prediction for this alteration is inconclusive. Since supporting evidence is limited at this time, the clinical significance of this alteration remains unclear.

Laboratory for Molecular Medicine, Mass General Brigham Personalized Medicine
Classification: Uncertain significance. Last evaluated: 2020-04-02. Review status: criteria provided, single submitter. Criteria: LMM Criteria. Collection method: clinical testing. Allele origin: germline. Observed: 1 variant allele.
Comment: Variant classified as Uncertain Significance - Favor Benign. The p.Asp388Asn variant in KCNQ1 has not been previously reported in individuals with Jervell and Lange Nielsen syndrome or Long QT syndrome, but was identified in 0.001% (2/113654) of European chromosomes by gnomAD. Computational prediction tools and conservation analysis suggest that this variant may not impact the protein, though this information is not predictive enough to rule out pathogenicity. Of note, two mammals have an asparagine (Asn) at this position, despite high nearby amino acid conservation. In summary, while the clinical significance of this variant is uncertain, conservation data suggest it is more likely to be benign. ACMG/AMP Criteria applied: PM2, BP4.